The following is an entry in ClinVar:

NM_004260.4(RECQL4):c.2747C>A (p.Pro916Gln)

Gene: RECQL4 (RecQ like helicase 4; minus strand). Cytogenetic location: 8q24.3.
Variant type: single nucleotide variant.
Coding change: c.2747C>A on transcript NM_004260.4 (MANE Select); coding-DNA position 2747, C replaced by A.
Protein change: p.Pro916Gln; replaces proline 916 with glutamine.
Molecular consequence: missense variant. On other transcripts: non-coding transcript variant (3).
Genome position (GRCh38, 1-based): chr8:144,512,855, G>T on the plus strand (C>A on the coding strand, the complement: RECQL4 is on the minus strand). VCF-style: chr8-144512855-G-T. GRCh37 (hg19) VCF-style: chr8-145738238-G-T.
Other names: c.2453C>A, p.Pro818Gln (NM_001413017.1); c.2549C>A, p.Pro850Gln (NM_001413018.1); c.2747C>A, p.Pro916Gln (NM_001413019.1, NM_001413036.1); c.2651C>A, p.Pro884Gln (NM_001413020.1); c.1676C>A, p.Pro559Gln (NM_001413021.1, NM_001413022.1, NM_001413023.1 and 5 more transcripts); c.2618C>A, p.Pro873Gln (NM_001413025.1); c.1610C>A, p.Pro537Gln (NM_001413027.1, NM_001413030.1, NM_001413032.1 and 1 more transcripts); c.2396C>A, p.Pro799Gln (NM_001413029.1); and 6 more; short protein forms P515Q, P873Q, P850Q, P872Q, P906Q, P916Q, P493Q, P537Q.
Identifiers: ClinVar variation 2879682 (VCV002879682.3), dbSNP rs375049839, ClinGen allele CA187681331.
Genomic context (GRCh38, chr8:144,512,855, plus strand): 5'-GGACGCGGGGACAGCCCCTCCACACCCCTGTGGCTTACCCCAGGTTCCTCACCCTCCTCC[G>T]GCATGTCCAAAGCCTGTACGGTAAGCTGTATTGGGAGTGCCCGCTCATGGCCCATGCAGA-3'
Protein context (NP_004251.4, residues 906-926): IQLTVQALDM[Pro916Gln]EEAIETLLCY

ClinVar aggregate classification (germline): Uncertain significance (1 of 4 stars; one submission).

Conditions:
Baller-Gerold syndrome (BGS). Also called: CRANIOSYNOSTOSIS WITH RADIAL DEFECTS. Identifiers: Orphanet 1225, MedGen C0265308, MONDO:0009039, OMIM 218600.

gnomAD v4.1: 1 of 1,603,816 alleles (0.000062%); highest among the groups gnomAD compares: Non-Finnish European, 0.000085%; no homozygotes.

Submission:

Labcorp Genetics (formerly Invitae), Labcorp
Classification: Uncertain significance for Baller-Gerold syndrome. Last evaluated: 2023-02-18. Review status: criteria provided, single submitter. Criteria: Invitae Variant Classification Sherloc (09022015). Collection method: clinical testing. Allele origin: germline.
Comment: In summary, the available evidence is currently insufficient to determine the role of this variant in disease. Therefore, it has been classified as a Variant of Uncertain Significance. Advanced modeling of protein sequence and biophysical properties (such as structural, functional, and spatial information, amino acid conservation, physicochemical variation, residue mobility, and thermodynamic stability) performed at Invitae indicates that this missense variant is expected to disrupt RECQL4 protein function. This variant has not been reported in the literature in individuals affected with RECQL4-related conditions. This variant is not present in population databases (gnomAD no frequency). This sequence change replaces proline, which is neutral and non-polar, with glutamine, which is neutral and polar, at codon 916 of the RECQL4 protein (p.Pro916Gln).